The following is an entry in ClinVar:

ClinVar aggregate classification (germline): Uncertain significance (1 of 4 stars; one submission).

Submission:

GeneDx
Classification: Uncertain significance. Last evaluated: 2024-05-30. Review status: criteria provided, single submitter. Criteria: GeneDx Variant Classification Process June 2021. Collection method: clinical testing. Allele origin: germline. Affected: yes.
Comment: Not observed at significant frequency in large population cohorts (gnomAD); In silico analysis indicates that this variant does not alter splicing; Has not been previously published as pathogenic or benign to our knowledge

NM_000264.5(PTCH1):c.2560+4_2560+6dup

Genes: PTCH1 (patched 1; minus strand), LOC100507346 (uncharacterized LOC100507346; plus strand). Cytogenetic location: 9q22.32.
Variant type: Duplication.
Coding change: c.2560+4_2560+6dup on transcript NM_000264.5 (MANE Select); bases 4 to 6 of the intron after coding-DNA position 2560, 3 bases duplicated (AGA; older notation c.2560+4_2560+6dupAGA).
Molecular consequence: intron variant. On other transcripts: non-coding transcript variant (1).
Genome position (GRCh38, 1-based): chr9:95,467,110-95,467,112, TCT duplicated on the plus strand (AGA on the coding strand, the reverse complement: PTCH1 is on the minus strand); duplicating any 3 consecutive bases within chr9:95,467,110-95,467,113 gives the same sequence; the c. name uses the placement nearest the transcript's 3' end. VCF-style (leftmost placement, unchanged base first): chr9-95467109-G-GTCT. GRCh37 (hg19) VCF-style: chr9-98229391-G-GTCT.
Other names: c.2557+4_2557+6dup (NM_001083603.3); c.2362+4_2362+6dup (NM_001083602.3); c.2404+4_2404+6dup (NM_001354918.2); c.2107+4_2107+6dup (NM_001083605.3, NM_001083604.3, NM_001083606.3 and 1 more transcripts).
Identifiers: ClinVar variation 3384475 (VCV003384475.1).